The following is an entry in ClinVar:

NM_001142800.2(EYS):c.5298del (p.His1766fs)

Gene: EYS (EGF-like photoreceptor maintenance factor; minus strand). Cytogenetic location: 6q12.
Variant type: Deletion.
Coding change: c.5298del on transcript NM_001142800.2 (MANE Select); coding-DNA position 5298, one base deleted (T; older notation c.5298delT).
Protein change: p.His1766fs; shifts the reading frame from histidine 1766.
Molecular consequence: frameshift variant.
Genome position (GRCh38, 1-based): chr6:64,590,569, A deleted on the plus strand (T on the coding strand, the reverse complement: EYS is on the minus strand). VCF-style (leftmost placement, unchanged base first): chr6-64590568-CA-C. GRCh37 (hg19) VCF-style: chr6-65300461-CA-C.
Other names: c.5298del, p.His1766fs (NM_001292009.2); short protein forms H1766fs.
Identifiers: ClinVar variation 4814647 (VCV004814647.1).

ClinVar aggregate classification (germline): Likely pathogenic (1 of 4 stars; one submission).

Conditions:
Retinitis pigmentosa 25 (RP25). Identifiers: Orphanet 791, MedGen C1864446, MONDO:0011272, OMIM 602772.

Submission:

Natera, Inc.
Classification: Likely pathogenic for Retinitis pigmentosa type 25. Last evaluated: 2024-08-21. Review status: criteria provided, single submitter. Criteria: Natera Variant Classification Schema (03/2026). Collection method: clinical testing. Allele origin: germline.
Comment: The c.5298del variant in EYS is a frameshift variant predicted to shift the reading frame beginning at codon 1766 and leads to a stop codon 12 codons downstream. This variant is expected to result in nonsense mediated decay, truncation, or a dysfunctional protein product. This variant is rare in the general population with a frequency below the threshold expected for the associated phenotype(s). Given the available evidence, this variant is classified as Likely Pathogenic.